The following is an entry in ClinVar:

NM_000159.4(GCDH):c.848T>C (p.Leu283Pro)

Gene: GCDH (glutaryl-CoA dehydrogenase; plus strand). Cytogenetic location: 19p13.13.
Variant type: single nucleotide variant.
Coding change: c.848T>C on transcript NM_000159.4 (MANE Select); coding-DNA position 848, T replaced by C.
Protein change: p.Leu283Pro; replaces leucine 283 with proline.
Molecular consequence: missense variant. On other transcripts: non-coding transcript variant (2).
Genome position (GRCh38, 1-based): chr19:12,896,417, T>C. VCF-style: chr19-12896417-T-C. GRCh37 (hg19) VCF-style: chr19-13007231-T-C.
Other names: c.848T>C, p.Leu283Pro (NM_013976.5); short protein forms L283P.
Identifiers: ClinVar variation 955419 (VCV000955419.13), dbSNP rs1970682343, ClinGen allele CA404319196.

ClinVar aggregate classification (germline): Pathogenic/Likely pathogenic. Review status: criteria provided, multiple submitters, no conflicts (2 of 4 stars). 3 submissions from 3 submitters: Pathogenic (1); Likely pathogenic (2). Last evaluated 2025-06-25.

Conditions:
Glutaric aciduria, type 1. Also called: Glutaricacidemia Type 1; GA I; Glutaryl-CoA dehydrogenase deficiency; Glutaric acidemia type I; Glutaricaciduria, type I; Glutaric Acidemia Type 1. Identifiers: Orphanet 25, MedGen C0268595, MONDO:0009281, OMIM 231670.

Allele frequency attached by ClinVar (database versions not stated): gnomAD exomes below 0.00001.
gnomAD v4.1: 1 of 1,611,418 alleles (0.000062%); highest among the groups gnomAD compares: Admixed American, 0.0017%; no homozygotes.

Submissions (3):

Women's Health and Genetics/Laboratory Corporation of America, LabCorp
Classification: Likely pathogenic for Glutaric aciduria, type 1. Last evaluated: 2025-06-25. Review status: criteria provided, single submitter. Criteria: LabCorp Variant Classification Summary - May 2015. Collection method: clinical testing. Allele origin: germline.
Comment: Variant summary: GCDH c.848T>C (p.Leu283Pro) results in a non-conservative amino acid change in the encoded protein sequence. Algorithms developed to predict the effect of missense changes on protein structure and function all suggest that this variant is likely to be disruptive. The variant was absent in 244606 control chromosomes. c.848T>C has been observed in the homozygous state in at least 2 individual(s) affected with Glutaric Acidemia Type 1 (Anikster_1996, Korman_2007). These data indicate that the variant is likely to be associated with disease. To our knowledge, no experimental evidence demonstrating an impact on protein function has been reported. The following publications have been ascertained in the context of this evaluation (PMID: 8900228, 17188916). ClinVar contains an entry for this variant (Variation ID: 955419). Based on the evidence outlined above, the variant was classified as likely pathogenic.

Labcorp Genetics (formerly Invitae), Labcorp
Classification: Pathogenic for Glutaric aciduria, type 1. Last evaluated: 2024-06-03. Review status: criteria provided, single submitter. Criteria: Invitae Variant Classification Sherloc (09022015). Collection method: clinical testing. Allele origin: germline.
Comment: This sequence change replaces leucine, which is neutral and non-polar, with proline, which is neutral and non-polar, at codon 283 of the GCDH protein (p.Leu283Pro). This variant is present in population databases (no rsID available, gnomAD 0.003%). This missense change has been observed in individual(s) with glutaric acidemia I (PMID: 8900228, 17188916). It has also been observed to segregate with disease in related individuals. ClinVar contains an entry for this variant (Variation ID: 955419). Advanced modeling of protein sequence and biophysical properties (such as structural, functional, and spatial information, amino acid conservation, physicochemical variation, residue mobility, and thermodynamic stability) performed at Invitae indicates that this missense variant is expected to disrupt GCDH protein function with a positive predictive value of 80%. For these reasons, this variant has been classified as Pathogenic.

Fulgent Genetics
Classification: Likely pathogenic for Glutaric aciduria, type 1. Last evaluated: 2024-04-13. Review status: criteria provided, single submitter. Criteria: ACMG Guidelines, 2015. Collection method: clinical testing. Allele origin: germline.

Literature cited by the submitters: PubMed 8900228 (cited by Women's Health and Genetics/Laboratory Corporation of America, LabCorp and Labcorp Genetics (formerly Invitae), Labcorp); PubMed 17188916 (cited by Women's Health and Genetics/Laboratory Corporation of America, LabCorp and Labcorp Genetics (formerly Invitae), Labcorp).